The following is an entry in ClinVar:

ClinVar aggregate classification (germline): Uncertain significance. Review status: criteria provided, multiple submitters, no conflicts (2 of 4 stars). 5 submissions from 5 submitters: Uncertain significance (5). Last evaluated 2025-12-08.

Conditions:
Cardiomyopathy (CMYO). Also called: Cardiomyopathies. Identifiers: Orphanet 167848, MedGen C0878544, MONDO:0004994, HP:0001638. Inheritance: Various modes of inheritance.
Hypertrophic cardiomyopathy. Also called: HYPERTROPHIC MYOCARDIOPATHY. Identifiers: Orphanet 217569, MedGen C0007194, MeSH D002312, MONDO:0005045, HP:0001639.

Allele frequency attached by ClinVar (database versions not stated): TOPMed 0.00001; 1000 Genomes Project 30x 0.00016; 1000 Genomes Project 0.00020.
gnomAD v4.1: 18 of 1,612,704 alleles (0.0011%); highest among the groups gnomAD compares: Admixed American, 0.0017%; no homozygotes.

Submissions (5):

Labcorp Genetics (formerly Invitae), Labcorp
Classification: Uncertain significance for Hypertrophic cardiomyopathy. Last evaluated: 2025-12-08. Review status: criteria provided, single submitter. Criteria: Invitae Variant Classification Sherloc (09022015). Collection method: clinical testing. Allele origin: germline.
Comment: This sequence change replaces glutamine, which is neutral and polar, with histidine, which is basic and polar, at codon 1098 of the MYH7 protein (p.Gln1098His). This variant is present in population databases (rs375323916, gnomAD 0.002%). This variant has not been reported in the literature in individuals affected with MYH7-related conditions. ClinVar contains an entry for this variant (Variation ID: 959570). Invitae Evidence Modeling of protein sequence and biophysical properties (such as structural, functional, and spatial information, amino acid conservation, physicochemical variation, residue mobility, and thermodynamic stability) indicates that this missense variant is expected to disrupt MYH7 protein function with a positive predictive value of 95%. In summary, the available evidence is currently insufficient to determine the role of this variant in disease. Therefore, it has been classified as a Variant of Uncertain Significance.

All of Us Research Program, National Institutes of Health
Classification: Uncertain significance for Cardiomyopathy. Last evaluated: 2024-09-23. Review status: criteria provided, single submitter. Criteria: ACMG Guidelines, 2015. Collection method: clinical testing. Allele origin: germline. Inheritance: Autosomal dominant inheritance. Observed: 5 variant alleles, 5 heterozygotes.
Comment: This missense variant replaces glutamine with histidine at codon 1098 of the MYH7 protein. Computational prediction is inconclusive regarding the impact of this variant on protein structure and function (internally defined REVEL score threshold 0.5 < inconclusive < 0.7, PMID: 27666373). To our knowledge, functional studies have not been reported for this variant. This variant has not been reported in individuals affected with MYH7-related disorders in the literature. This variant has not been identified in the general population by the Genome Aggregation Database (gnomAD). The available evidence is insufficient to determine the role of this variant in disease conclusively. Therefore, this variant is classified as a Variant of Uncertain Significance.

This study involves interpretation of variants in research participants for the purpose of population health screening. Participant phenotype was not available at the time of variant classification. Additional details can be found in publication PMID: 35346344, PMCID: PMC8962531

Color Diagnostics, LLC DBA Color Health
Classification: Uncertain significance for Cardiomyopathy. Last evaluated: 2024-05-21. Review status: criteria provided, single submitter. Criteria: ACMG Guidelines, 2015. Collection method: clinical testing. Allele origin: germline.
Comment: This missense variant replaces glutamine with histidine at codon 1098 of the MYH7 protein. Computational prediction is inconclusive regarding the impact of this variant on protein structure and function (internally defined REVEL score threshold 0.5 < inconclusive < 0.7, PMID: 27666373). To our knowledge, functional studies have not been reported for this variant. This variant has not been reported in individuals affected with MYH7-related disorders in the literature. This variant has not been identified in the general population by the Genome Aggregation Database (gnomAD). The available evidence is insufficient to determine the role of this variant in disease conclusively. Therefore, this variant is classified as a Variant of Uncertain Significance.

Blueprint Genetics
Classification: Uncertain significance. Last evaluated: 2024-05-07. Review status: criteria provided, single submitter. Criteria: ACMG Guidelines, 2015. Collection method: clinical testing. Allele origin: germline.

GeneDx
Classification: Uncertain significance. Last evaluated: 2023-05-09. Review status: criteria provided, single submitter. Criteria: GeneDx Variant Classification Process June 2021. Collection method: clinical testing. Allele origin: germline. Affected: yes.
Comment: Not observed at significant frequency in large population cohorts (gnomAD); In silico analysis supports that this missense variant has a deleterious effect on protein structure/function; Has not been previously published as pathogenic or benign in association with neurodevelopmental disorders to our knowledge; This variant is associated with the following publications: (PMID: 34542152)

NM_000257.4(MYH7):c.3294G>C (p.Gln1098His)

Gene: MYH7 (myosin heavy chain 7; minus strand). Cytogenetic location: 14q11.2.
Variant type: single nucleotide variant.
Coding change: c.3294G>C on transcript NM_000257.4 (MANE Select); coding-DNA position 3294, G replaced by C.
Protein change: p.Gln1098His; replaces glutamine 1098 with histidine.
Molecular consequence: missense variant.
Genome position (GRCh38, 1-based): chr14:23,421,000, C>G on the plus strand (G>C on the coding strand, the complement: MYH7 is on the minus strand). VCF-style: chr14-23421000-C-G. GRCh37 (hg19) VCF-style: chr14-23890209-C-G.
Other names: short protein forms Q1098H.
Identifiers: ClinVar variation 959570 (VCV000959570.15), dbSNP rs375323916, ClinGen allele CA036679.